The following is an entry in ClinVar:

NM_017617.5(NOTCH1):c.170G>A (p.Cys57Tyr)

Gene: NOTCH1 (notch receptor 1; minus strand). Cytogenetic location: 9q34.3.
Variant type: single nucleotide variant.
Coding change: c.170G>A on transcript NM_017617.5 (MANE Select); coding-DNA position 170, G replaced by A.
Protein change: p.Cys57Tyr; replaces cysteine 57 with tyrosine.
Molecular consequence: missense variant.
Genome position (GRCh38, 1-based): chr9:136,523,950, C>T on the plus strand (G>A on the coding strand, the complement: NOTCH1 is on the minus strand). VCF-style: chr9-136523950-C-T. GRCh37 (hg19) VCF-style: chr9-139418402-C-T.
Other names: short protein forms C57Y.
Identifiers: ClinVar variation 2788602 (VCV002788602.3), dbSNP rs2133379776, ClinGen allele CA375573175.

ClinVar aggregate classification (germline): Uncertain significance (1 of 4 stars; one submission).

Conditions:
Adams-Oliver syndrome 5 (AOS5). Identifiers: Orphanet 974, MedGen C4014970, MONDO:0014459, OMIM 616028.

Submission:

Labcorp Genetics (formerly Invitae), Labcorp
Classification: Uncertain significance for Adams-Oliver syndrome 5. Last evaluated: 2023-04-06. Review status: criteria provided, single submitter. Criteria: Invitae Variant Classification Sherloc (09022015). Collection method: clinical testing. Allele origin: germline.
Comment: In summary, the available evidence is currently insufficient to determine the role of this variant in disease. Therefore, it has been classified as a Variant of Uncertain Significance. Advanced modeling of protein sequence and biophysical properties (such as structural, functional, and spatial information, amino acid conservation, physicochemical variation, residue mobility, and thermodynamic stability) performed at Invitae indicates that this missense variant is expected to disrupt NOTCH1 protein function. This variant has not been reported in the literature in individuals affected with NOTCH1-related conditions. This variant is not present in population databases (gnomAD no frequency). This sequence change replaces cysteine, which is neutral and slightly polar, with tyrosine, which is neutral and polar, at codon 57 of the NOTCH1 protein (p.Cys57Tyr).